The following is an entry in ClinVar:

NM_001330078.2(NRXN1):c.2197G>A (p.Val733Ile)

Gene: NRXN1 (neurexin 1; minus strand). Cytogenetic location: 2p16.3.
Variant type: single nucleotide variant.
Coding change: c.2197G>A on transcript NM_001330078.2 (MANE Select); coding-DNA position 2197, G replaced by A.
Protein change: p.Val733Ile; replaces valine 733 with isoleucine.
Molecular consequence: missense variant.
Genome position (GRCh38, 1-based): chr2:50,531,377, C>T on the plus strand (G>A on the coding strand, the complement: NRXN1 is on the minus strand). VCF-style: chr2-50531377-C-T. GRCh37 (hg19) VCF-style: chr2-50758515-C-T.
Other names: c.2317G>A (NM_001135659.2, NM_001135659.1); c.2317G>A, p.Val773Ile (NM_001135659.3); c.2173G>A, p.Val725Ile (NM_001330077.2, NM_001330082.2, NM_001330095.2); c.2158G>A, p.Val720Ile (NM_001330083.2, NM_001330084.2); c.2197G>A, p.Val733Ile (NM_001330085.2, NM_001330086.2, NM_004801.6); c.2113G>A, p.Val705Ile (NM_001330087.2, NM_001330096.2); c.2143G>A, p.Val715Ile (NM_001330088.2); c.2194G>A, p.Val732Ile (NM_001330093.2); and 1 more; short protein forms V732I, V720I, V725I, V729I, V733I, V773I, V705I, V715I.
Identifiers: ClinVar variation 2195319 (VCV002195319.6), dbSNP rs778031536, ClinGen allele CA1654895.

ClinVar aggregate classification (germline): Uncertain significance. Review status: criteria provided, multiple submitters, no conflicts (2 of 4 stars). 3 submissions from 3 submitters: Uncertain significance (3). Last evaluated 2026-01-17.

Conditions:
Pitt-Hopkins-like syndrome 2 (PTHSL2). Identifiers: Orphanet 221150, Orphanet 600663, MedGen C3280479, MONDO:0013690, OMIM 614325.
NRXN1-related disorder.
Inborn genetic diseases. Identifiers: MedGen C0950123, MeSH D030342.

Allele frequency attached by ClinVar (database versions not stated): TOPMed 0.00001; gnomAD 0.00003.
gnomAD v4.1: 26 of 1,612,680 alleles (0.0016%); highest among the groups gnomAD compares: Middle Eastern, 0.033%; no homozygotes.

Submissions (3):

Labcorp Genetics (formerly Invitae), Labcorp
Classification: Uncertain significance for Pitt-Hopkins-like syndrome 2. Last evaluated: 2026-01-17. Review status: criteria provided, single submitter. Criteria: Invitae Variant Classification Sherloc (09022015). Collection method: clinical testing. Allele origin: germline.
Comment: This sequence change replaces valine, which is neutral and non-polar, with isoleucine, which is neutral and non-polar, at codon 773 of the NRXN1 protein (p.Val773Ile). This variant is present in population databases (rs778031536, gnomAD 0.02%). This variant has not been reported in the literature in individuals affected with NRXN1-related conditions. ClinVar contains an entry for this variant (Variation ID: 2195319). An algorithm developed to predict the effect of missense changes on protein structure and function (PolyPhen-2) suggests that this variant is likely to be tolerated. In summary, the available evidence is currently insufficient to determine the role of this variant in disease. Therefore, it has been classified as a Variant of Uncertain Significance.

Ambry Genetics
Classification: Uncertain significance for Inborn genetic diseases. Last evaluated: 2025-05-17. Review status: criteria provided, single submitter. Criteria: Ambry Variant Classification Scheme 2023. Collection method: clinical testing. Allele origin: germline.

PreventionGenetics, part of Exact Sciences
Classification: Uncertain significance for NRXN1-related condition. Last evaluated: 2023-07-12. Review status: criteria provided, single submitter. Criteria: ACMG Guidelines, 2015. Collection method: clinical testing. Allele origin: germline.
Comment: The NRXN1 c.2317G>A variant is predicted to result in the amino acid substitution p.Val773Ile. To our knowledge, this variant has not been reported in the literature. This variant is reported in 0.021% of alleles in individuals of East Asian descent in gnomAD. At this time, the clinical significance of this variant is uncertain due to the absence of conclusive functional and genetic evidence.